The following is an entry in ClinVar:

NM_001257180.2(SLC20A2):c.1523+1G>C

Gene: SLC20A2 (solute carrier family 20 member 2; minus strand). Cytogenetic location: 8p11.21.
Variant type: single nucleotide variant.
Coding change: c.1523+1G>C on transcript NM_001257180.2 (MANE Select); the canonical splice donor site of the intron after coding-DNA position 1523, G replaced by C.
Molecular consequence: splice donor variant.
Genome position (GRCh38, 1-based): chr8:42,436,988, C>G on the plus strand (G>C on the coding strand, the complement: SLC20A2 is on the minus strand). VCF-style: chr8-42436988-C-G. GRCh37 (hg19) VCF-style: chr8-42294506-C-G.
Other names: c.1523+1G>C (NM_006749.5, NM_001257181.2).
Identifiers: ClinVar variation 4730884 (VCV004730884.1).

ClinVar aggregate classification (germline): Pathogenic (1 of 4 stars; one submission).

Submission:

Labcorp Genetics (formerly Invitae), Labcorp
Classification: Pathogenic. Last evaluated: 2026-01-01. Review status: criteria provided, single submitter. Criteria: Invitae Variant Classification Sherloc (09022015). Collection method: clinical testing. Allele origin: germline.
Comment: This sequence change affects a donor splice site in intron 8 of the SLC20A2 gene. It is expected to disrupt RNA splicing. Variants that disrupt the donor or acceptor splice site typically lead to a loss of protein function (PMID: 16199547), and loss-of-function variants in SLC20A2 are known to be pathogenic (PMID: 23334463). This variant is not present in population databases (gnomAD no frequency). Disruption of this splice site has been observed in individuals with SLC20A2-related conditions (PMID: 23334463, 37341843). Algorithms developed to predict the effect of sequence changes on RNA splicing suggest that this variant may disrupt the consensus splice site. For these reasons, this variant has been classified as Pathogenic.

Literature cited by the submitters: PubMed 16199547; PubMed 23334463; PubMed 37341843.